The following is an entry in ClinVar:

ClinVar aggregate classification (germline): Likely benign (1 of 4 stars; one submission).

Conditions:
PTPN22-related disorder. Also called: PTPN22-related condition.

gnomAD v4.1: 8 of 1,614,060 alleles (0.0005%); highest among the groups gnomAD compares: East Asian, 0.018%; no homozygotes.

Submission:

PreventionGenetics, part of Exact Sciences
Classification: Likely benign for PTPN22-related condition. Last evaluated: 2025-02-23. Review status: criteria provided, single submitter. Criteria: ACMG Guidelines, 2015. Collection method: clinical testing. Allele origin: germline.
Comment: This variant is classified as likely benign based on ACMG/AMP sequence variant interpretation guidelines (Richards et al. 2015 PMID: 25741868, with internal and published modifications).

NM_015967.8(PTPN22):c.1485A>G (p.Ala495=)

Genes: AP4B1-AS1 (AP4B1 antisense RNA 1; plus strand), PTPN22 (protein tyrosine phosphatase non-receptor type 22; minus strand). Cytogenetic location: 1p13.2.
Variant type: single nucleotide variant.
Coding change: c.1485A>G on transcript NM_015967.8 (MANE Select); coding-DNA position 1485, A replaced by G.
Protein change: p.Ala495=; no amino-acid change (alanine 495 retained).
Molecular consequence: synonymous variant.
Genome position (GRCh38, 1-based): chr1:113,837,915, T>C on the plus strand (A>G on the coding strand, the complement: PTPN22 is on the minus strand). VCF-style: chr1-113837915-T-C. GRCh37 (hg19) VCF-style: chr1-114380537-T-C.
Other names: c.1485A>G, p.Ala495= (NM_001193431.3); c.1413A>G, p.Ala471= (NM_001308297.2); c.1320A>G, p.Ala440= (NM_012411.6).
Identifiers: ClinVar variation 4992426 (VCV004992426.1).
Genomic context (GRCh38, chr1:113,837,915, plus strand): 5'-TACATTAGAGGCATTACGTATTTGGTGTTTAGAGTCATATGGCAGTGAATAATTCAGTTC[T>C]GCTGAAGAAACATGCATTACTTTTTGAGCCTGCATCTCTACAAAACAAGAATCATGTGGT-3'
Protein context (NP_057051.4, residues 485-505): QAQKVMHVSS[Ala495=]ELNYSLPYDS